The following is an entry in ClinVar:

ClinVar aggregate classification (germline): Uncertain significance (1 of 4 stars; one submission).

Conditions:
Bardet-Biedl syndrome (BBS). Identifiers: Orphanet 110, MedGen C0752166, MONDO:0015229.

Submission:

Labcorp Genetics (formerly Invitae), Labcorp
Classification: Uncertain significance for Bardet-Biedl syndrome. Last evaluated: 2021-10-31. Review status: criteria provided, single submitter. Criteria: Invitae Variant Classification Sherloc (09022015). Collection method: clinical testing. Allele origin: germline.
Comment: In summary, the available evidence is currently insufficient to determine the role of this variant in disease. Therefore, it has been classified as a Variant of Uncertain Significance. Experimental studies and prediction algorithms are not available or were not evaluated, and the functional significance of this variant is currently unknown. This variant has not been reported in the literature in individuals affected with BBS9-related conditions. This variant results in a copy number gain of the genomic region encompassing exon(s) 3-4 of the BBS9 gene. While the exact position of this variant cannot be determined from the data, sub-genic copy number gains are generally in tandem (PMID: 25640679). This variant is predicted to be in-frame, and likely preserves the integrity of the reading frame.

Literature cited by the submitters: PubMed 25640679.

NC_000007.13:g.(?_33192313)_(33195314_?)dup

Gene: BBS9 (Bardet-Biedl syndrome 9; plus strand). Cytogenetic location: 7p14.3.
Variant type: Duplication.
Identifiers: ClinVar variation 2427656 (VCV002427656.4).